The following is an entry in ClinVar:

ClinVar aggregate classification (germline): Uncertain significance (1 of 4 stars; one submission).

Conditions:
Hereditary cancer-predisposing syndrome. Also called: Neoplastic Syndromes, Hereditary; Tumor predisposition; Hereditary neoplastic syndrome; Hereditary Cancer Syndrome. Identifiers: Orphanet 140162, MedGen C0027672, MeSH D009386, MONDO:0015356.

Submission:

Ambry Genetics
Classification: Uncertain significance for Hereditary cancer-predisposing syndrome. Last evaluated: 2026-07-07. Review status: criteria provided, single submitter. Criteria: Ambry Variant Classification Scheme 2023. Collection method: clinical testing. Allele origin: germline.
Comment: The p.A840G variant (also known as c.2519C>G), located in coding exon 21 of the TSC2 gene, results from a C to G substitution at nucleotide position 2519. The alanine at codon 840 is replaced by glycine, an amino acid with similar properties. This amino acid position is conserved. In addition, this alteration is predicted to be deleterious by in silico analysis. Based on the available evidence, the clinical significance of this variant remains unclear.

NM_000548.5(TSC2):c.2519C>G (p.Ala840Gly)

Gene: TSC2 (TSC complex subunit 2; plus strand). Cytogenetic location: 16p13.3.
Variant type: single nucleotide variant.
Coding change: c.2519C>G on transcript NM_000548.5 (MANE Select); coding-DNA position 2519, C replaced by G.
Protein change: p.Ala840Gly; replaces alanine 840 with glycine.
Molecular consequence: missense variant. On other transcripts: non-coding transcript variant (5).
Genome position (GRCh38, 1-based): chr16:2,074,363, C>G. VCF-style: chr16-2074363-C-G. GRCh37 (hg19) VCF-style: chr16-2124364-C-G.
Other names: c.1175C>G, p.Ala392Gly (NM_001406694.1, NM_001406695.1, NM_001406696.1 and 6 more transcripts); c.2372C>G, p.Ala791Gly (NM_001406676.1, NM_001406679.1, NM_001318829.2 and 1 more transcripts); c.2462C>G, p.Ala821Gly (NM_001406677.1); c.2408C>G, p.Ala803Gly (NM_001406678.1, NM_001318827.2, NM_001406670.1); c.1919C>G, p.Ala640Gly (NM_001406680.1, NM_001406682.1, NM_001406683.1 and 6 more transcripts); c.2057C>G, p.Ala686Gly (NM_001406681.1); c.917C>G, p.Ala306Gly (NM_001406698.1); c.2519C>G, p.Ala840Gly (NM_021055.3, NM_001077183.3, NM_001114382.3 and 6 more transcripts); and 3 more; short protein forms A392G, A686G, A791G, A851G, A870G, A821G, A306G, A640G.
Identifiers: ClinVar variation 5031277 (VCV005031277.1).